The following is an entry in ClinVar:

ClinVar aggregate classification (germline): Likely pathogenic (1 of 4 stars; one submission).

Submission:

GeneDx
Classification: Likely pathogenic. Last evaluated: 2015-09-16. Review status: criteria provided, single submitter. Criteria: GeneDx Variant Classification (06012015). Collection method: clinical testing. Allele origin: germline. Affected: yes.
Comment: The c.477+5 G>C likely pathogenic variant has been reported previously in at least two individuals referred for LQTS genetic testing, however no clinical or segregation information was provided (Tester et al., 2005, Kapplinger et al., 2009). The c.477+5 G>C variant was not observed in >2,600 published control alleles (Kapplinger et al., 2009), or in approximately 6,500 individuals of European and African American ancestry in the NHLBI Exome Sequencing Project, indicating it is not a common benign variant in these populations. This variant is predicted to damage or destroy the splice donor site in intron 2 and is predicted to cause abnormal gene splicing. Other splice site variants in the KCNQ1 gene have been reported in the Human Gene Mutation Database in association with LQTS (Stenson et al., 2014)Therefore, this variant is a strong candidate for a pathogenic variant, however the possibility that it is a benign variant cannot be excluded.

NM_000218.3(KCNQ1):c.477+5G>C

Gene: KCNQ1 (potassium voltage-gated channel subfamily Q member 1; plus strand). Cytogenetic location: 11p15.5.
Variant type: single nucleotide variant.
Coding change: c.477+5G>C on transcript NM_000218.3 (MANE Select); 5 bases into the intron after coding-DNA position 477, G replaced by C.
Molecular consequence: intron variant.
Genome position (GRCh38, 1-based): chr11:2,528,023, G>C. VCF-style: chr11-2528023-G-C. GRCh37 (hg19) VCF-style: chr11-2549253-G-C.
Other names: c.207+5G>C (NM_001406837.1); c.477+5G>C (NM_001406836.1, NM_001406838.1); c.96+5G>C (NM_181798.2).
Identifiers: ClinVar variation 53048 (VCV000053048.4), dbSNP rs397508111, ClinGen allele CA007183.
Genomic context (GRCh38, chr11:2,528,023, plus strand): 5'-TGCTGTCCACCATCGAGCAGTATGCCGCCCTGGCCACGGGGACTCTCTTCTGGATGGTAC[G>C]TAGCATCTGAGGGCATGGCTGGATGTCATGGCTGCCTTGGAAGCTGGCATCTCCCTGGCG-3'